The following is an entry in ClinVar:

NM_022173.4(TIA1):c.1122G>A (p.Gln374=)

Gene: TIA1 (TIA1 cytotoxic granule associated RNA binding protein; minus strand). Cytogenetic location: 2p13.3.
Variant type: single nucleotide variant.
Coding change: c.1122G>A on transcript NM_022173.4 (MANE Select); coding-DNA position 1122, G replaced by A.
Protein change: p.Gln374=; no amino-acid change (glutamine 374 retained).
Molecular consequence: synonymous variant. On other transcripts: non-coding transcript variant (17).
Genome position (GRCh38, 1-based): chr2:70,212,758, C>T on the plus strand (G>A on the coding strand, the complement: TIA1 is on the minus strand). VCF-style: chr2-70212758-C-T. GRCh37 (hg19) VCF-style: chr2-70439890-C-T.
Other names: p.Gln374=; c.1119G>A, p.Gln373= (NM_001351508.2); c.1095G>A, p.Gln365= (NM_001351509.2); c.1086G>A, p.Gln362= (NM_001351510.2); c.1011G>A, p.Gln337= (NM_001351511.1); c.984G>A, p.Gln328= (NM_001351512.1); c.978G>A, p.Gln326= (NM_001351513.1); c.894G>A, p.Gln298= (NM_001351514.2); and 4 more.
Identifiers: ClinVar variation 458836 (VCV000458836.15), dbSNP rs76710635, ClinGen allele CA1697396.

ClinVar aggregate classification (germline): Benign/Likely benign. Review status: criteria provided, multiple submitters, no conflicts (2 of 4 stars). 4 submissions from 4 submitters: Benign (2); Likely benign (2). Last evaluated 2026-04-01.

Conditions:
Welander distal myopathy (WDM). Also called: Gower's muscular dystrophy; MUSCULAR DYSTROPHY, DISTAL, LATE-ONSET, AUTOSOMAL DOMINANT; Welander distal myopathy, Swedish type; Distal myopathy, Swedish type. Identifiers: Orphanet 603, MedGen C0221054, MONDO:0011466, OMIM 604454.

Allele frequency attached by ClinVar (database versions not stated): gnomAD exomes 0.00029 and 0.00095; ExAC 0.00115; gnomAD 0.00317 and 0.00347; TOPMed 0.00365; ESP Exome Variant Server 0.00400; 1000 Genomes Project 30x 0.00437; 1000 Genomes Project 0.00459.

Submissions (4):

CeGaT Center for Human Genetics Tuebingen
Classification: Likely benign. Last evaluated: 2026-04-01. Review status: criteria provided, single submitter. Criteria: CeGaT Center For Human Genetics Tuebingen Variant Classification Criteria Version 2. Collection method: clinical testing. Allele origin: germline. Affected: yes. Observed: 1 variant allele.
Comment: TIA1: BP4, BP7, BS1

Labcorp Genetics (formerly Invitae), Labcorp
Classification: Benign for Welander distal myopathy. Last evaluated: 2026-02-01. Review status: criteria provided, single submitter. Criteria: Invitae Variant Classification Sherloc (09022015). Collection method: clinical testing. Allele origin: germline.

Mayo Clinic Laboratories, Mayo Clinic
Classification: Benign. Last evaluated: 2024-02-29. Review status: criteria provided, single submitter. Criteria: ACMG Guidelines, 2015. Collection method: clinical testing. Allele origin: germline. Observed: 4 variant alleles.
Comment: BS2, BP4, BP7

GeneDx
Classification: Likely benign. Last evaluated: 2022-02-15. Review status: criteria provided, single submitter. Criteria: GeneDx Variant Classification Process June 2021. Collection method: clinical testing. Allele origin: germline. Affected: yes.
Comment: See Variant Classification Assertion Criteria.